The following is an entry in ClinVar:

NM_017512.7(ENOSF1):c.*1219T>C

Genes: ENOSF1 (enolase superfamily member 1; minus strand), TYMS (thymidylate synthetase; plus strand). Cytogenetic location: 18p11.32.
Variant type: single nucleotide variant.
Coding change: c.*1219T>C on transcript NM_017512.7 (MANE Select); 1219 bases downstream of the stop codon, T replaced by C.
Molecular consequence: 3 prime UTR variant.
Genome position (GRCh38, 1-based): chr18:673,086, A>G on the plus strand (T>C on the coding strand, the complement: ENOSF1 is on the minus strand). VCF-style: chr18-673086-A-G. GRCh37 (hg19) VCF-style: chr18-673086-A-G.
Other names: c.*1219T>C (NM_001318760.2, NM_001354065.2, NM_001354066.2 and 3 more transcripts); c.*89A>G (NM_001071.4, NM_001354867.2, NM_001354868.2).
Identifiers: ClinVar variation 1234187 (VCV001234187.4), dbSNP rs2790, ClinGen allele CA14506240.

ClinVar aggregate classification (germline): Benign. Review status: criteria provided, multiple submitters, no conflicts (2 of 4 stars). 2 submissions from 2 submitters: Benign (2). Last evaluated 2020-07-15.

Allele frequency attached by ClinVar (database versions not stated): gnomAD exomes 0.21591; gnomAD 0.21982 and 0.22716; TOPMed 0.23079; 1000 Genomes Project 30x 0.29154; 1000 Genomes Project 0.29393.
gnomAD v4.1: 299,947 of 1,377,150 alleles (22%); highest among the groups gnomAD compares: East Asian, 39%; 34,173 homozygotes.

Submissions (2):

GeneDx
Classification: Benign. Last evaluated: 2020-07-15. Review status: criteria provided, single submitter. Criteria: GeneDx Variant Classification Process June 2021. Collection method: clinical testing. Allele origin: germline. Affected: yes.
Comment: This variant is associated with the following publications: (PMID: 24997136)

Breakthrough Genomics
Classification: Benign. Review status: criteria provided, single submitter. Criteria: ACMG Guidelines, 2015. Collection method: not provided. Allele origin: germline. Inheritance: Unknown mechanism. Affected: yes.